The following is an entry in ClinVar:

NM_005560.6(LAMA5):c.7891C>T (p.His2631Tyr)

Gene: LAMA5 (laminin subunit alpha 5; minus strand). Cytogenetic location: 20q13.33.
Variant type: single nucleotide variant.
Coding change: c.7891C>T on transcript NM_005560.6 (MANE Select); coding-DNA position 7891, C replaced by T.
Protein change: p.His2631Tyr; replaces histidine 2631 with tyrosine.
Molecular consequence: missense variant.
Genome position (GRCh38, 1-based): chr20:62,315,184, G>A on the plus strand (C>T on the coding strand, the complement: LAMA5 is on the minus strand). VCF-style: chr20-62315184-G-A. GRCh37 (hg19) VCF-style: chr20-60890240-G-A.
Other names: short protein forms H2631Y.
Identifiers: ClinVar variation 1473326 (VCV001473326.6), dbSNP rs2146064384, ClinGen allele CA409550630.

ClinVar aggregate classification (germline): Uncertain significance (1 of 4 stars; one submission).

Allele frequency attached by ClinVar (database versions not stated): gnomAD exomes below 0.00001.
gnomAD v4.1: 1 of 1,609,526 alleles (0.000062%); highest among the groups gnomAD compares: Non-Finnish European, 0.000085%; no homozygotes.

Submission:

Labcorp Genetics (formerly Invitae), Labcorp
Classification: Uncertain significance. Last evaluated: 2022-07-26. Review status: criteria provided, single submitter. Criteria: Invitae Variant Classification Sherloc (09022015). Collection method: clinical testing. Allele origin: germline.
Comment: In summary, the available evidence is currently insufficient to determine the role of this variant in disease. Therefore, it has been classified as a Variant of Uncertain Significance. Algorithms developed to predict the effect of missense changes on protein structure and function (SIFT, PolyPhen-2, Align-GVGD) all suggest that this variant is likely to be tolerated. ClinVar contains an entry for this variant (Variation ID: 1473326). This variant has not been reported in the literature in individuals affected with LAMA5-related conditions. This variant is not present in population databases (gnomAD no frequency). This sequence change replaces histidine, which is basic and polar, with tyrosine, which is neutral and polar, at codon 2631 of the LAMA5 protein (p.His2631Tyr).